The following is an entry in ClinVar:

NM_020975.6(RET):c.3113C>T (p.Thr1038Ile)

Gene: RET (ret proto-oncogene; plus strand). Cytogenetic location: 10q11.21.
Variant type: single nucleotide variant.
Coding change: c.3113C>T on transcript NM_020975.6 (MANE Select); coding-DNA position 3113, C replaced by T.
Protein change: p.Thr1038Ile; replaces threonine 1038 with isoleucine.
Molecular consequence: missense variant.
Genome position (GRCh38, 1-based): chr10:43,126,648, C>T. VCF-style: chr10-43126648-C-T. GRCh37 (hg19) VCF-style: chr10-43622096-C-T.
Other names: c.3113C>T, p.Thr1038Ile (NM_000323.2, NM_001406743.1, NM_001406744.1 and 4 more transcripts); c.2351C>T, p.Thr784Ile (NM_001355216.2); c.2984C>T, p.Thr995Ile (NM_001406761.1, NM_001406762.1, NM_001406764.1); c.2978C>T, p.Thr993Ile (NM_001406763.1, NM_001406765.1); c.2387C>T, p.Thr796Ile (NM_001406776.1, NM_001406777.1, NM_001406778.1 and 1 more transcripts); c.2216C>T, p.Thr739Ile (NM_001406779.1, NM_001406780.1, NM_001406781.1 and 1 more transcripts); c.2087C>T, p.Thr696Ile (NM_001406783.1, NM_001406786.1); c.2123C>T, p.Thr708Ile (NM_001406784.1); and 10 more; short protein forms T1038I, T784I, T796I, T863I, T906I, T942I, T739I, T694I.
Identifiers: ClinVar variation 241356 (VCV000241356.30), dbSNP rs200021472, ClinGen allele CA042623.

ClinVar aggregate classification (germline): Conflicting classifications of pathogenicity. Review status: criteria provided, conflicting classifications (1 of 4 stars). 9 submissions from 9 submitters: Uncertain significance (8); Likely benign (1). Last evaluated 2026-01-02.

Conditions:
Pheochromocytoma. Also called: MAX-Related Hereditary Paraganglioma-Pheochromocytoma Syndrome. Identifiers: Orphanet 29072, MedGen C0031511, MONDO:0008233, OMIM 171300, HP:0002666.
Hirschsprung disease, susceptibility to, 1 (HSCR1). Also called: RET-Related Hirschsprung Disease. Identifiers: Orphanet 388, MedGen C3888239, MONDO:0007723, OMIM 142623.
Familial medullary thyroid carcinoma (MTC). Also called: Thyroid cancer, familial medullary; MTC, familial; Familial Medullary Thyroid Carcinoma (FMTC). Identifiers: Orphanet 653, Orphanet 99361, MedGen C1833921, MONDO:0007958, OMIM 155240.
Multiple endocrine neoplasia type 2B. Also called: WAGENMANN-FROBOESE SYNDROME; MULTIPLE ENDOCRINE NEOPLASIA, TYPE III; MEN 2B; MUCOSAL NEUROMA SYNDROME; MULTIPLE ENDOCRINE NEOPLASIA, TYPE IIB; MEN IIB. Identifiers: Orphanet 247709, Orphanet 653, MedGen C0025269, MeSH D018814, MONDO:0008082, OMIM 162300.
Multiple endocrine neoplasia type 2A. Also called: MULTIPLE ENDOCRINE NEOPLASIA, TYPE IIA; PTC SYNDROME; SIPPLE SYNDROME; MEN 2A; MEN-2A syndrome; Pheochromocytoma and amyloid producing medullary thyroid carcinoma. Identifiers: Orphanet 247698, Orphanet 653, MedGen C0025268, MeSH D018813, MONDO:0008234, OMIM 171400.
Hereditary cancer-predisposing syndrome. Also called: Tumor predisposition; Hereditary neoplastic syndrome; Neoplastic Syndromes, Hereditary; Hereditary Cancer Syndrome. Identifiers: Orphanet 140162, MedGen C0027672, MeSH D009386, MONDO:0015356.
Multiple endocrine neoplasia, type 2 (MEN2). Identifiers: Orphanet 653, MedGen C4048306, MONDO:0019003. Disease mechanism: gain of function.

Allele frequency attached by ClinVar (database versions not stated): ExAC 0.00001; gnomAD exomes 0.00001 and 0.00002; gnomAD 0.00002 and 0.00003; TOPMed 0.00002; ESP Exome Variant Server 0.00008; 1000 Genomes Project 30x 0.00016; 1000 Genomes Project 0.00020.

Submissions (9):

Labcorp Genetics (formerly Invitae), Labcorp
Classification: Uncertain significance for Multiple endocrine neoplasia, type 2. Last evaluated: 2026-01-02. Review status: criteria provided, single submitter. Criteria: Invitae Variant Classification Sherloc (09022015). Collection method: clinical testing. Allele origin: germline.
Comment: This sequence change replaces threonine, which is neutral and polar, with isoleucine, which is neutral and non-polar, at codon 1038 of the RET protein (p.Thr1038Ile). This variant is present in population databases (rs200021472, gnomAD 0.004%). This variant has not been reported in the literature in individuals affected with RET-related conditions. ClinVar contains an entry for this variant (Variation ID: 241356). An algorithm developed to predict the effect of missense changes on protein structure and function (PolyPhen-2) suggests that this variant is likely to be disruptive. In summary, the available evidence is currently insufficient to determine the role of this variant in disease. Therefore, it has been classified as a Variant of Uncertain Significance.

Color Diagnostics, LLC DBA Color Health
Classification: Uncertain significance for Multiple endocrine neoplasia, type 2. Last evaluated: 2025-06-24. Review status: criteria provided, single submitter. Criteria: ACMG Guidelines, 2015. Collection method: clinical testing. Allele origin: germline.
Comment: This missense variant replaces threonine with isoleucine at codon 1038 of the RET protein. Computational prediction is inconclusive regarding the impact of this variant on protein structure and function. To our knowledge, functional studies have not been reported for this variant. This variant has not been reported in individuals affected with hereditary cancer in the literature. This variant has been identified in 5/282850 chromosomes in the general population by the Genome Aggregation Database (gnomAD). The available evidence is insufficient to determine the role of this variant in disease conclusively. Therefore, this variant is classified as a Variant of Uncertain Significance.

All of Us Research Program, National Institutes of Health
Classification: Uncertain significance for Multiple endocrine neoplasia, type 2. Last evaluated: 2024-09-23. Review status: criteria provided, single submitter. Criteria: ACMG Guidelines, 2015. Collection method: clinical testing. Allele origin: germline. Inheritance: Autosomal dominant inheritance. Observed: 12 variant alleles, 12 heterozygotes.
Comment: This missense variant replaces threonine with isoleucine at codon 1038 of the RET protein. Computational prediction is inconclusive regarding the impact of this variant on protein structure and function (internally defined REVEL score threshold 0.5 < inconclusive < 0.7, PMID: 27666373). To our knowledge, functional studies have not been reported for this variant. This variant has not been reported in individuals affected with hereditary cancer in the literature. This variant has been identified in 5/282850 chromosomes in the general population by the Genome Aggregation Database (gnomAD). The available evidence is insufficient to determine the role of this variant in disease conclusively. Therefore, this variant is classified as a Variant of Uncertain Significance.

This study involves interpretation of variants in research participants for the purpose of population health screening. Participant phenotype was not available at the time of variant classification. Additional details can be found in publication PMID: 35346344, PMCID: PMC8962531

Baylor Genetics
Classification: Uncertain significance for Hirschsprung disease, susceptibility to, 1. Last evaluated: 2024-03-15. Review status: criteria provided, single submitter. Criteria: ACMG Guidelines, 2015. Collection method: clinical testing. Allele origin: unknown.

Quest Diagnostics Nichols Institute San Juan Capistrano
Classification: Uncertain significance. Last evaluated: 2023-11-24. Review status: criteria provided, single submitter. Criteria: Quest Diagnostics criteria. Collection method: clinical testing. Allele origin: unknown.

GeneDx
Classification: Uncertain significance. Last evaluated: 2023-10-26. Review status: criteria provided, single submitter. Criteria: GeneDx Variant Classification Process June 2021. Collection method: clinical testing. Allele origin: germline. Affected: yes.
Comment: Not observed at significant frequency in large population cohorts (gnomAD); In silico analysis supports that this missense variant has a deleterious effect on protein structure/function; Has not been previously published as pathogenic or benign to our knowledge; This variant is associated with the following publications: (PMID: 24336963, 25733075, 30653986, 14633923)

Ambry Genetics
Classification: Likely benign for Hereditary cancer-predisposing syndrome. Last evaluated: 2023-05-18. Review status: criteria provided, single submitter. Criteria: Ambry Variant Classification Scheme 2023. Collection method: clinical testing. Allele origin: germline.

Fulgent Genetics
Classification: Uncertain significance for Hirschsprung disease, susceptibility to, 1; Familial medullary thyroid carcinoma; Multiple endocrine neoplasia type 2B; Pheochromocytoma; Multiple endocrine neoplasia type 2A. Last evaluated: 2022-05-26. Review status: criteria provided, single submitter. Criteria: ACMG Guidelines, 2015. Collection method: clinical testing. Allele origin: unknown.

Genetic Services Laboratory, University of Chicago
Classification: Uncertain significance. Last evaluated: 2020-01-03. Review status: criteria provided, single submitter. Criteria: ACMG Guidelines, 2015. Collection method: clinical testing. Allele origin: germline. Affected: no.
Comment: DNA sequence analysis of the RET gene demonstrated a sequence change, c.3113C>T, in exon 19 that results in an amino acid change, p.Thr1038Ile. This sequence change does not appear to have been previously described in patients with RET-related disorders and has been described in the gnomAD database with a frequency of 0.004% in European populations (dbSNP rs200021472). The p.Thr1038Ile change affects a highly conserved amino acid residue located in a domain of the RET protein that is known to be functional. In-silico pathogenicity prediction tools (SIFT, PolyPhen2, Align GVGD, REVEL) provide contradictory results for the p.Thr1038Ile substitution. Due to these contrasting evidences and the lack of functional studies, the clinical significance of the p.Thr1038Ile change remains unknown at this time.

Literature cited by the submitters: PubMed 24336963 (cited by Quest Diagnostics Nichols Institute San Juan Capistrano).